The following is an entry in ClinVar:

ClinVar aggregate classification (germline): Uncertain significance (1 of 4 stars; one submission).

gnomAD v4.1: 5 of 1,613,598 alleles (0.00031%); highest among the groups gnomAD compares: Non-Finnish European, 0.00042%; no homozygotes.

Submission:

CeGaT Center for Human Genetics Tuebingen
Classification: Uncertain significance. Last evaluated: 2026-04-01. Review status: criteria provided, single submitter. Criteria: CeGaT Center For Human Genetics Tuebingen Variant Classification Criteria Version 2. Collection method: clinical testing. Allele origin: germline. Affected: yes. Observed: 1 variant allele.
Comment: SPG11: PM2

NM_025137.4(SPG11):c.867C>A (p.Phe289Leu)

Gene: SPG11 (SPG11 vesicle trafficking associated, spatacsin; minus strand). Cytogenetic location: 15q21.1.
Variant type: single nucleotide variant.
Coding change: c.867C>A on transcript NM_025137.4 (MANE Select); coding-DNA position 867, C replaced by A.
Protein change: p.Phe289Leu; replaces phenylalanine 289 with leucine.
Molecular consequence: missense variant.
Genome position (GRCh38, 1-based): chr15:44,657,097, G>T on the plus strand (C>A on the coding strand, the complement: SPG11 is on the minus strand). VCF-style: chr15-44657097-G-T. GRCh37 (hg19) VCF-style: chr15-44949295-G-T.
Other names: c.867C>A, p.Phe289Leu (NM_001160227.2, NM_001411132.1); short protein forms F289L.
Identifiers: ClinVar variation 4873237 (VCV004873237.2).